The following is an entry in ClinVar:

ClinVar aggregate classification (germline): Uncertain significance (1 of 4 stars; one submission).

Conditions:
Generalized epilepsy-paroxysmal dyskinesia syndrome (PNKD3). Also called: Generalized epilepsy and paroxysmal dyskinesia; Paroxysmal nonkinesigenic dyskinesia, 3, with or without generalized epilepsy. Identifiers: Orphanet 79137, MedGen C5574945, MONDO:0012276, OMIM 609446.

Submission:

Labcorp Genetics (formerly Invitae), Labcorp
Classification: Uncertain significance for Generalized epilepsy-paroxysmal dyskinesia syndrome. Last evaluated: 2023-01-28. Review status: criteria provided, single submitter. Criteria: Invitae Variant Classification Sherloc (09022015). Collection method: clinical testing. Allele origin: germline.
Comment: This sequence change replaces serine, which is neutral and polar, with phenylalanine, which is neutral and non-polar, at codon 920 of the KCNMA1 protein (p.Ser920Phe). In summary, the available evidence is currently insufficient to determine the role of this variant in disease. Therefore, it has been classified as a Variant of Uncertain Significance. Algorithms developed to predict the effect of missense changes on protein structure and function are either unavailable or do not agree on the potential impact of this missense change (SIFT: "Deleterious"; PolyPhen-2: "Probably Damaging"; Align-GVGD: "Class C15"). This variant has not been reported in the literature in individuals affected with KCNMA1-related conditions. This variant is not present in population databases (gnomAD no frequency).

NM_001161352.2(KCNMA1):c.2933C>T (p.Ser978Phe)

Genes: KCNMA1-AS1 (KCNMA1 antisense RNA 1; plus strand), KCNMA1 (potassium calcium-activated channel subfamily M alpha 1; minus strand). Cytogenetic location: 10q22.3.
Variant type: single nucleotide variant.
Coding change: c.2933C>T on transcript NM_001161352.2 (MANE Select); coding-DNA position 2933, C replaced by T.
Protein change: p.Ser978Phe; replaces serine 978 with phenylalanine.
Molecular consequence: missense variant.
Genome position (GRCh38, 1-based): chr10:76,915,019, G>A on the plus strand (C>T on the coding strand, the complement: KCNMA1 is on the minus strand). VCF-style: chr10-76915019-G-A. GRCh37 (hg19) VCF-style: chr10-78674777-G-A.
Other names: c.2771C>T, p.Ser924Phe (NM_001014797.3, NM_001322835.2, NM_001322837.2); c.2882C>T, p.Ser961Phe (NM_001161353.2); c.2609C>T, p.Ser870Phe (NM_001271518.2); c.2768C>T, p.Ser923Phe (NM_001271519.2, NM_001322829.2, NM_001322836.2); c.2780C>T, p.Ser927Phe (NM_001322830.2); c.2759C>T, p.Ser920Phe (NM_001322832.2, NM_001410940.1, NM_002247.4); c.2306C>T, p.Ser769Phe (NM_001322838.2); short protein forms S978F, S769F, S920F, S924F, S870F, S923F, S927F, S961F.
Identifiers: ClinVar variation 2832587 (VCV002832587.3), dbSNP rs2549040628, ClinGen allele CA377404440.